The following is an entry in ClinVar:

ClinVar aggregate classification (germline): Pathogenic/Likely pathogenic. Review status: criteria provided, multiple submitters, no conflicts (2 of 4 stars). 5 submissions from 5 submitters: Pathogenic (2); Likely pathogenic (3). Last evaluated 2025-04-14.

Conditions:
Hereditary cancer-predisposing syndrome. Also called: Neoplastic Syndromes, Hereditary; Hereditary Cancer Syndrome; Hereditary neoplastic syndrome; Tumor predisposition. Identifiers: Orphanet 140162, MedGen C0027672, MeSH D009386, MONDO:0015356.
Familial cancer of breast. Also called: Hereditary breast cancer; hereditary breast carcinoma; BREAST CANCER, FAMILIAL. Identifiers: Orphanet 227535, MedGen C0346153, MONDO:0016419, OMIM 114480. Disease mechanism: loss of function.
Fanconi anemia complementation group J. Also called: BRIP1-Related Fanconi Anemia. Identifiers: Orphanet 84, MedGen C1836860, MONDO:0012187, OMIM 609054.

gnomAD v4.1: 12 of 1,613,834 alleles (0.00074%); highest among the groups gnomAD compares: Non-Finnish European, 0.001%; no homozygotes.

Submissions (5):

Labcorp Genetics (formerly Invitae), Labcorp
Classification: Likely pathogenic for Familial cancer of breast; Fanconi anemia complementation group J. Last evaluated: 2025-04-14. Review status: criteria provided, single submitter. Criteria: Invitae Variant Classification Sherloc (09022015). Collection method: clinical testing. Allele origin: germline.
Comment: This sequence change affects an acceptor splice site in intron 18 of the BRIP1 gene. RNA analysis indicates that disruption of this splice site induces altered splicing and likely results in a shortened protein product. This variant is not present in population databases (gnomAD no frequency). This variant has not been reported in the literature in individuals affected with BRIP1-related conditions. ClinVar contains an entry for this variant (Variation ID: 142551). Studies have shown that disruption of this splice site results in skipping of exon 19, but is expected to preserve the integrity of the reading-frame (internal data). In summary, the currently available evidence indicates that the variant is pathogenic, but additional data are needed to prove that conclusively. Therefore, this variant has been classified as Likely Pathogenic.

Color Diagnostics, LLC DBA Color Health
Classification: Likely pathogenic for Hereditary cancer-predisposing syndrome. Last evaluated: 2024-09-16. Review status: criteria provided, single submitter. Criteria: ACMG Guidelines, 2015. Collection method: clinical testing. Allele origin: germline.
Comment: This variant causes a G to A nucleotide substitution at the -1 position of intron 18 of the BRIP1 gene. Splice site prediction tools predict that this variant may have a significant impact on RNA splicing, potentially by creating a de novo splice acceptor site 1 basepair upstream and resulting in a stop codon 3 codons downstream. In addition, unpublished RNA studies have been reported that this variant likely results in a truncated protein product (ClinVar Variation ID: 142551). To our knowledge, this variant has not been reported in individuals affected with hereditary cancer in the literature. This variant has not been identified in the general population by the Genome Aggregation Database (gnomAD). Loss of BRIP1 function is a known mechanism of disease. Based on the available evidence, this variant is classified as Likely Pathogenic.

Ambry Genetics
Classification: Pathogenic for Hereditary cancer-predisposing syndrome. Last evaluated: 2024-05-09. Review status: criteria provided, single submitter. Criteria: Ambry Variant Classification Scheme 2023. Collection method: clinical testing. Allele origin: germline.
Comment: The c.2576-1G>A intronic pathogenic mutation results from a G to A substitution one nucleotide upstream from coding exon 18 of the BRIP1 gene. This nucleotide position is highly conserved in available vertebrate species. In silico splice site analysis predicts that this alteration will weaken the native splice acceptor site and will result in the creation or strengthening of a novel splice acceptor site; however, direct evidence is insufficient at this time (Ambry internal data). This variant is considered to be rare based on population cohorts in the Genome Aggregation Database (gnomAD). Alterations that disrupt the canonical splice site are expected to cause aberrant splicing, resulting in an abnormal protein or a transcript that is subject to nonsense-mediated mRNA decay. Based on the supporting evidence, this variant is interpreted as a disease-causing mutation.

Myriad Genetics, Inc.
Classification: Likely pathogenic for Familial cancer of breast. Last evaluated: 2023-05-25. Review status: criteria provided, single submitter. Criteria: Myriad Autosomal Dominant, Autosomal Recessive and X-Linked Classification Criteria (2023). Collection method: clinical testing. Allele origin: unknown.
Comment: This variant is considered likely pathogenic. This variant occurs within a consensus splice junction and is predicted to result in abnormal mRNA splicing of either an out-of-frame exon or an in-frame exon necessary for protein stability and/or normal function.

Fulgent Genetics
Classification: Pathogenic for Familial cancer of breast; Fanconi anemia complementation group J. Last evaluated: 2018-10-31. Review status: criteria provided, single submitter. Criteria: ACMG Guidelines, 2015. Collection method: clinical testing. Allele origin: unknown.

NM_032043.3(BRIP1):c.2576-1G>A

Gene: BRIP1 (BRCA1 interacting DNA helicase 1; minus strand). Cytogenetic location: 17q23.2.
Variant type: single nucleotide variant.
Coding change: c.2576-1G>A on transcript NM_032043.3 (MANE Select); the canonical splice acceptor site of the intron before coding-DNA position 2576, G replaced by A.
Molecular consequence: splice acceptor variant.
Genome position (GRCh38, 1-based): chr17:61,686,166, C>T on the plus strand (G>A on the coding strand, the complement: BRIP1 is on the minus strand). VCF-style: chr17-61686166-C-T. GRCh37 (hg19) VCF-style: chr17-59763527-C-T.
Identifiers: ClinVar variation 142551 (VCV000142551.22), dbSNP rs587782539, ClinGen allele CA168685.